The following is an entry in ClinVar:

NM_182919.4(TICAM1):c.57C>T (p.Gly19=)

Gene: TICAM1 (TIR domain containing adaptor molecule 1; minus strand). Cytogenetic location: 19p13.3.
Variant type: single nucleotide variant.
Coding change: c.57C>T on transcript NM_182919.4 (MANE Select); coding-DNA position 57, C replaced by T.
Protein change: p.Gly19=; no amino-acid change (glycine 19 retained).
Molecular consequence: synonymous variant. On other transcripts: intron variant (1), 5 prime UTR variant (1).
Genome position (GRCh38, 1-based): chr19:4,818,321, G>A on the plus strand (C>T on the coding strand, the complement: TICAM1 is on the minus strand). VCF-style: chr19-4818321-G-A. GRCh37 (hg19) VCF-style: chr19-4818333-G-A.
Other names: c.-72+63C>T (NM_001385680.1); c.15C>T, p.Gly5= (NM_001385678.1); c.-79C>T (NM_001385679.1).
Identifiers: ClinVar variation 777381 (VCV000777381.36), dbSNP rs113493978, ClinGen allele CA9105430.

ClinVar aggregate classification (germline): Likely benign. Review status: criteria provided, multiple submitters, no conflicts (2 of 4 stars). 3 submissions from 3 submitters: Likely benign (3). Last evaluated 2026-01-19.

Conditions:
Encephalopathy, acute, infection-induced (herpes-specific), susceptibility to, 6. Also called: Herpes simplex encephalitis, susceptibility to, 4. Identifiers: Orphanet 1930, MedGen C3553869, MONDO:0013921, OMIM 614850.

Allele frequency attached by ClinVar (database versions not stated): 1000 Genomes Project 30x 0.00109; ESP Exome Variant Server 0.00115; TOPMed 0.00057; 1000 Genomes Project 0.00100; gnomAD 0.00041.

Submissions (3):

Labcorp Genetics (formerly Invitae), Labcorp
Classification: Likely benign for Encephalopathy, acute, infection-induced (herpes-specific), susceptibility to, 6. Last evaluated: 2026-01-19. Review status: criteria provided, single submitter. Criteria: Invitae Variant Classification Sherloc (09022015). Collection method: clinical testing. Allele origin: germline.

CeGaT Center for Human Genetics Tuebingen
Classification: Likely benign. Last evaluated: 2023-03-01. Review status: criteria provided, single submitter. Criteria: CeGaT Center For Human Genetics Tuebingen Variant Classification Criteria Version 2. Collection method: clinical testing. Allele origin: germline. Affected: yes. Observed: 2 variant alleles.
Comment: TICAM1: BP4, BP7

Breakthrough Genomics
Classification: Likely benign. Review status: criteria provided, single submitter. Criteria: ACMG Guidelines, 2015. Collection method: not provided. Allele origin: germline. Inheritance: Autosomal dominant inheritance. Affected: yes.